The following is an entry in ClinVar:

NM_014476.6(PDLIM3):c.47G>A (p.Arg16Lys)

Gene: PDLIM3 (PDZ and LIM domain 3; minus strand). Cytogenetic location: 4q35.1.
Variant type: single nucleotide variant.
Coding change: c.47G>A on transcript NM_014476.6 (MANE Select); coding-DNA position 47, G replaced by A.
Protein change: p.Arg16Lys; replaces arginine 16 with lysine.
Molecular consequence: missense variant. On other transcripts: non-coding transcript variant (1).
Genome position (GRCh38, 1-based): chr4:185,535,388, C>T on the plus strand (G>A on the coding strand, the complement: PDLIM3 is on the minus strand). VCF-style: chr4-185535388-C-T. GRCh37 (hg19) VCF-style: chr4-186456542-C-T.
Other names: c.47G>A, p.Arg16Lys (NM_001114107.5, NM_001257962.2, NM_001257963.2); short protein forms R16K.
Identifiers: ClinVar variation 2448557 (VCV002448557.2), dbSNP rs758987751, ClinGen allele CA358932642.

ClinVar aggregate classification (germline): Uncertain significance (1 of 4 stars; one submission).

Submission:

Ambry Genetics
Classification: Uncertain significance. Last evaluated: 2022-11-21. Review status: criteria provided, single submitter. Criteria: Ambry Variant Classification Scheme 2023. Collection method: clinical testing. Allele origin: germline.
Comment: The p.R16K variant (also known as c.47G>A), located in coding exon 1 of the PDLIM3 gene, results from a G to A substitution at nucleotide position 47. The arginine at codon 16 is replaced by lysine, an amino acid with highly similar properties. This amino acid position is conserved. In addition, this alteration is predicted to be tolerated by in silico analysis. Since supporting evidence is limited at this time, the clinical significance of this alteration remains unclear.